The following is an entry in ClinVar:

ClinVar aggregate classification (germline): Uncertain significance. Review status: criteria provided, multiple submitters, no conflicts (2 of 4 stars). 2 submissions from 2 submitters: Uncertain significance (2). Last evaluated 2025-06-20.

Conditions:
Inborn genetic diseases. Identifiers: MedGen C0950123, MeSH D030342.

gnomAD v4.1: 71 of 1,613,536 alleles (0.0044%); highest among the groups gnomAD compares: South Asian, 0.027%; 1 homozygote.

Submissions (2):

Labcorp Genetics (formerly Invitae), Labcorp
Classification: Uncertain significance. Last evaluated: 2025-06-20. Review status: criteria provided, single submitter. Criteria: Invitae Variant Classification Sherloc (09022015). Collection method: clinical testing. Allele origin: germline.
Comment: This sequence change replaces arginine, which is basic and polar, with tryptophan, which is neutral and slightly polar, at codon 465 of the DHX37 protein (p.Arg465Trp). This variant is present in population databases (rs138311838, gnomAD 0.03%). This variant has not been reported in the literature in individuals affected with DHX37-related conditions. ClinVar contains an entry for this variant (Variation ID: 3714288). Invitae Evidence Modeling of protein sequence and biophysical properties (such as structural, functional, and spatial information, amino acid conservation, physicochemical variation, residue mobility, and thermodynamic stability) indicates that this missense variant is expected to disrupt DHX37 protein function with a positive predictive value of 80%. In summary, the available evidence is currently insufficient to determine the role of this variant in disease. Therefore, it has been classified as a Variant of Uncertain Significance.

Ambry Genetics
Classification: Uncertain significance for Inborn genetic diseases. Last evaluated: 2025-02-03. Review status: criteria provided, single submitter. Criteria: Ambry Variant Classification Scheme 2023. Collection method: clinical testing. Allele origin: germline.

NM_032656.4(DHX37):c.1393C>T (p.Arg465Trp)

Gene: DHX37 (DEAH-box helicase 37; minus strand). Cytogenetic location: 12q24.31.
Variant type: single nucleotide variant.
Coding change: c.1393C>T on transcript NM_032656.4 (MANE Select); coding-DNA position 1393, C replaced by T.
Protein change: p.Arg465Trp; replaces arginine 465 with tryptophan.
Molecular consequence: missense variant.
Genome position (GRCh38, 1-based): chr12:124,968,549, G>A on the plus strand (C>T on the coding strand, the complement: DHX37 is on the minus strand). VCF-style: chr12-124968549-G-A. GRCh37 (hg19) VCF-style: chr12-125453095-G-A.
Other names: c.1393C>T (NM_032656.3); short protein forms R465W.
Identifiers: ClinVar variation 3714288 (VCV003714288.3).
Genomic context (GRCh38, chr12:124,968,549, plus strand): 5'-TTTAGGAAGGGAGGCTTCTTTCCCCTGACCTGGCCAGGGCCTCACCTGCGGGCAGCATCC[G>A]GTGGATCTTGCAGACCTTCCGGAAGCACTCGCCACTGTAGTCTTCCAGCGGTGTCCGCTT-3'
Protein context (NP_116045.2, residues 455-475): ECFRKVCKIH[Arg465Trp]MLPAGGILVF